The following is an entry in ClinVar:

NM_004114.5(FGF13):c.175AGA[2] (p.Arg61del)

Gene: FGF13 (fibroblast growth factor 13; minus strand). Cytogenetic location: Xq26.3.
Variant type: Microsatellite.
Coding change: c.175AGA[2] on transcript NM_004114.5 (MANE Select); two copies in a row of the 3-base unit AGA starting at c.175; the reference has three copies in a row; one copy, 3 bases deleted.
Protein change: p.Arg61del; deletes arginine 61.
Molecular consequence: inframe deletion. On other transcripts: intron variant (5).
Genome position (GRCh38, 1-based): chrX:138,710,821-138,710,823, TCT deleted on the plus strand (AGA on the coding strand, the reverse complement: FGF13 is on the minus strand); deleting any 3 consecutive bases within chrX:138,710,821-138,710,829 gives the same sequence; the position shown is the placement nearest the transcript's 3' end. VCF-style (leftmost placement, unchanged base first): chrX-138710820-GTCT-G. GRCh37 (hg19) VCF-style: chrX-137792982-GTCT-G.
Other names: c.50-1901AGA[2] (NM_001139498.2); c.218-1901AGA[2] (NM_001139500.2); c.131-1901AGA[2] (NM_001139501.2, NM_001139502.2); c.29-1901AGA[2] (NM_033642.3); short protein forms R61del.
Identifiers: ClinVar variation 4976381 (VCV004976381.1).

ClinVar aggregate classification (germline): Uncertain significance (1 of 4 stars; one submission).

Submission:

GeneDx
Classification: Uncertain significance. Last evaluated: 2026-02-06. Review status: criteria provided, single submitter. Criteria: GeneDx Variant Classification Process June 2021. Collection method: clinical testing. Allele origin: germline.
Comment: In-frame deletion of 1 amino acid in a non-repeat region; Has not been previously published as pathogenic or benign to our knowledge; In silico analysis is inconclusive as to whether the variant alters gene splicing. In the absence of RNA/functional studies, the actual effect of this sequence change is unknown.